The following is an entry in ClinVar:

ClinVar aggregate classification (germline): Uncertain significance (1 of 4 stars; one submission).

Allele frequency attached by ClinVar (database versions not stated): gnomAD exomes below 0.00001.
gnomAD v4.1: 1 of 1,209,111 alleles (0.000083%); highest among the groups gnomAD compares: Non-Finnish European, 0.00011%; no homozygotes.

Submission:

CeGaT Center for Human Genetics Tuebingen
Classification: Uncertain significance. Last evaluated: 2023-01-01. Review status: criteria provided, single submitter. Criteria: CeGaT Center For Human Genetics Tuebingen Variant Classification Criteria Version 2. Collection method: clinical testing. Allele origin: germline. Affected: yes. Observed: 1 variant allele.
Comment: RTL9: PM2, BP4

NM_001385449.1(RTL9):c.4160A>G (p.Asn1387Ser)

Gene: RTL9 (retrotransposon Gag like 9; plus strand). Cytogenetic location: Xq23.
Variant type: single nucleotide variant.
Coding change: c.4160A>G on transcript NM_001385449.1 (MANE Select); coding-DNA position 4160, A replaced by G.
Protein change: p.Asn1387Ser; replaces asparagine 1387 with serine.
Molecular consequence: missense variant.
Genome position (GRCh38, 1-based): chrX:110,455,314, A>G. VCF-style: chrX-110455314-A-G. GRCh37 (hg19) VCF-style: chrX-109698542-A-G.
Other names: c.4160A>G, p.Asn1387Ser (NM_020769.2); short protein forms N1387S.
Identifiers: ClinVar variation 2661197 (VCV002661197.24), dbSNP rs2522951869, ClinGen allele CA414236139.
Genomic context (GRCh38, chrX:110,455,314, plus strand): 5'-AAGAAGGTCTTCATGATCACCTTGGACAGAGCACAGGCCATCATCAGAAGGCCCATACCA[A>G]CAAGTAAAACTCCATGGAATCTTCTCCTGTGATATCTGACTCGACCGCTAACTGGAGGAC-3'
Protein context (NP_001372378.1, residues 1377-1388): STGHHQKAHT[Asn1387Ser]K